The following is an entry in ClinVar:

ClinVar aggregate classification (germline): Uncertain significance (1 of 4 stars; one submission).

Conditions:
Combined immunodeficiency due to ZAP70 deficiency (IMD48). Also called: Immunodeficiency 48; ZAP70 Deficiency. Identifiers: Orphanet 911, MedGen C2931299, MONDO:0010023, OMIM 269840.

gnomAD v4.1: 8 of 1,614,192 alleles (0.0005%); highest among the groups gnomAD compares: South Asian, 0.0011%; no homozygotes.

Submission:

Labcorp Genetics (formerly Invitae), Labcorp
Classification: Uncertain significance for Combined immunodeficiency due to ZAP70 deficiency. Last evaluated: 2025-07-30. Review status: criteria provided, single submitter. Criteria: Invitae Variant Classification Sherloc (09022015). Collection method: clinical testing. Allele origin: germline.
Comment: This sequence change replaces threonine, which is neutral and polar, with methionine, which is neutral and non-polar, at codon 169 of the ZAP70 protein (p.Thr169Met). This variant is present in population databases (no rsID available, gnomAD 0.0009%). This variant has not been reported in the literature in individuals affected with ZAP70-related conditions. ClinVar contains an entry for this variant (Variation ID: 2079407). An algorithm developed to predict the effect of missense changes on protein structure and function (PolyPhen-2) suggests that this variant is likely to be disruptive. In summary, the available evidence is currently insufficient to determine the role of this variant in disease. Therefore, it has been classified as a Variant of Uncertain Significance.

NM_001079.4(ZAP70):c.506C>T (p.Thr169Met)

Gene: ZAP70 (zeta chain of T cell receptor associated protein kinase 70; plus strand). Cytogenetic location: 2q11.2.
Variant type: single nucleotide variant.
Coding change: c.506C>T on transcript NM_001079.4 (MANE Select); coding-DNA position 506, C replaced by T.
Protein change: p.Thr169Met; replaces threonine 169 with methionine.
Molecular consequence: missense variant.
Genome position (GRCh38, 1-based): chr2:97,725,195, C>T. VCF-style: chr2-97725195-C-T. GRCh37 (hg19) VCF-style: chr2-98341658-C-T.
Other names: c.506C>T, p.Thr169Met (NM_001378594.1); short protein forms T169M.
Identifiers: ClinVar variation 2079407 (VCV002079407.4), dbSNP rs1387121068, ClinGen allele CA347793126.